The following is an entry in ClinVar:

NM_002055.5(GFAP):c.1267G>T (p.Glu423Ter)

Gene: GFAP (glial fibrillary acidic protein; minus strand). Cytogenetic location: 17q21.31.
Variant type: single nucleotide variant.
Coding change: c.1267G>T on transcript NM_002055.5 (MANE Select); coding-DNA position 1267, G replaced by T.
Protein change: p.Glu423Ter; replaces glutamic acid 423 with a stop codon.
Molecular consequence: nonsense.
Genome position (GRCh38, 1-based): chr17:44,907,379, C>A on the plus strand (G>T on the coding strand, the complement: GFAP is on the minus strand). VCF-style: chr17-44907379-C-A. GRCh37 (hg19) VCF-style: chr17-42984747-C-A.
Other names: c.1387G>T, p.Glu463Ter (NM_001363846.2); short protein forms E423*, E463*.
Identifiers: ClinVar variation 4851658 (VCV004851658.1).

ClinVar aggregate classification (germline): Uncertain significance (1 of 4 stars; one submission).

Submission:

Greenwood Genetic Center Diagnostic Laboratories, Greenwood Genetic Center
Classification: Uncertain significance. Last evaluated: 2025-02-04. Review status: criteria provided, single submitter. Criteria: ACMG Guidelines, 2015. Collection method: clinical testing. Allele origin: germline.
Comment: PM2